The following is an entry in ClinVar:

NM_052844.4(DYNC2I2):c.433A>G (p.Met145Val)

Gene: DYNC2I2 (dynein 2 intermediate chain 2; minus strand). Cytogenetic location: 9q34.11.
Variant type: single nucleotide variant.
Coding change: c.433A>G on transcript NM_052844.4 (MANE Select); coding-DNA position 433, A replaced by G.
Protein change: p.Met145Val; replaces methionine 145 with valine.
Molecular consequence: missense variant.
Genome position (GRCh38, 1-based): chr9:128,640,693, T>C on the plus strand (A>G on the coding strand, the complement: DYNC2I2 is on the minus strand). VCF-style: chr9-128640693-T-C. GRCh37 (hg19) VCF-style: chr9-131402972-T-C.
Other names: short protein forms M145V.
Identifiers: ClinVar variation 1681247 (VCV001681247.6), dbSNP rs2132155527, ClinGen allele CA375125870.

ClinVar aggregate classification (germline): Uncertain significance (1 of 4 stars; one submission).

Conditions:
Short-rib thoracic dysplasia 11 with or without polydactyly (SRTD11). Also called: SHORT-RIB THORACIC DYSPLASIA 11 WITHOUT POLYDACTYLY. Identifiers: Orphanet 474, Orphanet 93271, MedGen C3810200, MONDO:0014287, OMIM 615633.

Submission:

Labcorp Genetics (formerly Invitae), Labcorp
Classification: Uncertain significance for Short-rib thoracic dysplasia 11 with or without polydactyly. Last evaluated: 2021-09-04. Review status: criteria provided, single submitter. Criteria: Invitae Variant Classification Sherloc (09022015). Collection method: clinical testing. Allele origin: germline.
Comment: In summary, the available evidence is currently insufficient to determine the role of this variant in disease. Therefore, it has been classified as a Variant of Uncertain Significance. This sequence change replaces methionine with valine at codon 145 of the WDR34 protein (p.Met145Val). The methionine residue is weakly conserved and there is a small physicochemical difference between methionine and valine. This variant is not present in population databases (ExAC no frequency). This variant has not been reported in the literature in individuals affected with WDR34-related conditions. Algorithms developed to predict the effect of missense changes on protein structure and function (SIFT, PolyPhen-2, Align-GVGD) all suggest that this variant is likely to be tolerated. Algorithms developed to predict the effect of sequence changes on RNA splicing suggest that this variant may create or strengthen a splice site.